The following is an entry in ClinVar:

ClinVar aggregate classification (germline): Uncertain significance (1 of 4 stars; one submission).

Conditions:
Cardiovascular phenotype. Identifiers: MedGen CN230736.

gnomAD v4.1: 1 of 1,611,026 alleles (0.000062%); highest among the groups gnomAD compares: African/African-American, 0.0013%; no homozygotes.

Submission:

Ambry Genetics
Classification: Uncertain significance for Cardiovascular phenotype. Last evaluated: 2026-02-19. Review status: criteria provided, single submitter. Criteria: Ambry Variant Classification Scheme 2023. Collection method: clinical testing. Allele origin: germline.
Comment: The p.L3411P variant (also known as c.10232T>C), located in coding exon 29 of the TNXB gene, results from a T to C substitution at nucleotide position 10232. The leucine at codon 3411 is replaced by proline, an amino acid with similar properties. This amino acid position is conserved. In addition, the in silico prediction for this alteration is inconclusive. Based on the available evidence, the clinical significance of this variant remains unclear.

NM_001365276.2(TNXB):c.10238T>C (p.Leu3413Pro)

Gene: TNXB (tenascin XB; minus strand). Cytogenetic location: 6p21.33.
Variant type: single nucleotide variant.
Coding change: c.10238T>C on transcript NM_001365276.2 (MANE Select); coding-DNA position 10238, T replaced by C.
Protein change: p.Leu3413Pro; replaces leucine 3413 with proline.
Molecular consequence: missense variant.
Genome position (GRCh38, 1-based): chr6:32,047,820, A>G on the plus strand (T>C on the coding strand, the complement: TNXB is on the minus strand). VCF-style: chr6-32047820-A-G. GRCh37 (hg19) VCF-style: chr6-32015597-A-G.
Other names: c.10979T>C, p.Leu3660Pro (NM_001428335.1); c.10232T>C, p.Leu3411Pro (NM_019105.8); short protein forms L3411P, L3413P, L3660P.
Identifiers: ClinVar variation 4829535 (VCV004829535.1).
Genomic context (GRCh38, chr6:32,047,820, plus strand): 5'-CCCAGTCGTTTCCTGCCTGACAGACCATAGAGCAGGAACCTGTATTTCCTACTGGGCTCC[A>G]GGCCCTGGACTGTGACCTCCCGCTGGTTGGCTGCCACCGGCACCACCTGGAGCCGACCAT-3'
Protein context (NP_001352205.1, residues 3403-3423): ANQREVTVQG[Leu3413Pro]EPSRKYRFLL